The following is an entry in ClinVar:

NM_000292.3(PHKA2):c.2598-1G>A

Gene: PHKA2 (phosphorylase kinase regulatory subunit alpha 2; minus strand). Cytogenetic location: Xp22.13.
Variant type: single nucleotide variant.
Coding change: c.2598-1G>A on transcript NM_000292.3 (MANE Select); the canonical splice acceptor site of the intron before coding-DNA position 2598, G replaced by A.
Molecular consequence: splice acceptor variant.
Genome position (GRCh38, 1-based): chrX:18,906,815, C>T on the plus strand (G>A on the coding strand, the complement: PHKA2 is on the minus strand). VCF-style: chrX-18906815-C-T. GRCh37 (hg19) VCF-style: chrX-18924933-C-T.
Other names: c.2499-1G>A (NM_001440804.1, NM_001440803.1, NM_001440802.1); c.2598-1G>A (NM_001440801.1, NM_001440800.1, NM_001440805.1).
Identifiers: ClinVar variation 4845317 (VCV004845317.1).
Genomic context (GRCh38, chrX:18,906,815, plus strand): 5'-CTGATGTCCTGCCCACTGGCCTCGTAGATGAGTTTTGTGAGCTCCTCTGGGGGAAGGGGC[C>T]TAGAAAGGAGCATTGTGTCACGAATGTGATGAGGTGTCTTGAGACAGTGCCTCCTCGCCC-3'

ClinVar aggregate classification (germline): Likely pathogenic (1 of 4 stars; one submission).

Conditions:
Glycogen storage disease IXa1. Also called: LIVER GLYCOGENOSIS, X-LINKED, TYPE I; GLYCOGEN STORAGE DISEASE VIII; GSD VIII; Glycogen storage disease 8. Identifiers: Orphanet 264580, MedGen C3694531, MONDO:0010598, OMIM 306000.

Submission:

Centro de Investigaciones en Bioquimica Clinica e Inmunologia, Consejo Nacional de Investigaciones Científicas y Técnicas
Classification: Likely pathogenic for Glycogen storage disease IXa1. Last evaluated: 2026-03-09. Review status: criteria provided, single submitter. Criteria: ACMG Guidelines, 2015. Collection method: research. Allele origin: maternal. Inheritance: X-linked recessive inheritance. Affected: yes. Observed: 1 variant allele.
Comment: The variant NM_000292.3(PHKA2):c.2598-1G>A affects the canonical splice acceptor site of intron 23 and is predicted to disrupt normal RNA splicing. Loss-of-function is an established disease mechanism for PHKA2-related glycogen storage disease type IXa (MIM:306000); therefore, this variant meets the PVS1 criterion. The variant is absent from population databases, including gnomAD (PM2_Supporting). Considering the predicted impact on splicing and the rarity in population databases, this variant is classified as Likely Pathogenic.